The following is an entry in ClinVar:

ClinVar aggregate classification (germline): Uncertain significance. Review status: criteria provided, multiple submitters, no conflicts (2 of 4 stars). 3 submissions from 3 submitters: Uncertain significance (3). Last evaluated 2024-09-20.

Conditions:
Inborn genetic diseases. Identifiers: MedGen C0950123, MeSH D030342.

Allele frequency attached by ClinVar (database versions not stated): ExAC 0.00001; gnomAD exomes 0.00001; gnomAD 0.00003 and 0.00004; TOPMed 0.00003.
gnomAD v4.1: 41 of 1,613,300 alleles (0.0025%); highest among the groups gnomAD compares: Non-Finnish European, 0.0033%; no homozygotes.

Submissions (3):

Ambry Genetics
Classification: Uncertain significance for Inborn genetic diseases. Last evaluated: 2024-09-20. Review status: criteria provided, single submitter. Criteria: Ambry Variant Classification Scheme 2023. Collection method: clinical testing. Allele origin: germline.

Labcorp Genetics (formerly Invitae), Labcorp
Classification: Uncertain significance. Last evaluated: 2024-04-05. Review status: criteria provided, single submitter. Criteria: Invitae Variant Classification Sherloc (09022015). Collection method: clinical testing. Allele origin: germline.
Comment: This sequence change replaces serine, which is neutral and polar, with arginine, which is basic and polar, at codon 840 of the TOPORS protein (p.Ser840Arg). This variant is present in population databases (rs758521255, gnomAD 0.0009%). This variant has not been reported in the literature in individuals affected with TOPORS-related conditions. ClinVar contains an entry for this variant (Variation ID: 1046750). Experimental studies and prediction algorithms are not available or were not evaluated, and the functional significance of this variant is currently unknown. In summary, the available evidence is currently insufficient to determine the role of this variant in disease. Therefore, it has been classified as a Variant of Uncertain Significance.

Blueprint Genetics
Classification: Uncertain significance. Last evaluated: 2020-01-13. Review status: criteria provided, single submitter. Criteria: ACMG Guidelines, 2015. Collection method: clinical testing. Allele origin: germline.

NM_005802.5(TOPORS):c.2520T>G (p.Ser840Arg)

Gene: TOPORS (TOP1 binding arginine/serine rich protein, E3 ubiquitin ligase; minus strand). Cytogenetic location: 9p21.1.
Variant type: single nucleotide variant.
Coding change: c.2520T>G on transcript NM_005802.5 (MANE Select); coding-DNA position 2520, T replaced by G.
Protein change: p.Ser840Arg; replaces serine 840 with arginine.
Molecular consequence: missense variant.
Genome position (GRCh38, 1-based): chr9:32,542,005, A>C on the plus strand (T>G on the coding strand, the complement: TOPORS is on the minus strand). VCF-style: chr9-32542005-A-C. GRCh37 (hg19) VCF-style: chr9-32542003-A-C.
Other names: c.2325T>G, p.Ser775Arg (NM_001195622.2); c.2520T>G (NM_005802.4); short protein forms S840R, S775R.
Identifiers: ClinVar variation 1046750 (VCV001046750.10), dbSNP rs758521255, ClinGen allele CA5020355.